The following is an entry in ClinVar:

NM_001853.4(COL9A3):c.1499T>A (p.Leu500Gln)

Genes: COL9A3 (collagen type IX alpha 3 chain; plus strand), LOC126863084 (MED14-independent group 3 enhancer GRCh37_chr20:61467141-61468340; plus strand). Cytogenetic location: 20q13.33.
Variant type: single nucleotide variant.
Coding change: c.1499T>A on transcript NM_001853.4 (MANE Select); coding-DNA position 1499, T replaced by A.
Protein change: p.Leu500Gln; replaces leucine 500 with glutamine.
Molecular consequence: missense variant.
Genome position (GRCh38, 1-based): chr20:62,836,284, T>A. VCF-style: chr20-62836284-T-A. GRCh37 (hg19) VCF-style: chr20-61467636-T-A.
Other names: short protein forms L500Q.
Identifiers: ClinVar variation 1378881 (VCV001378881.8), dbSNP rs2063634872, ClinGen allele CA409598016.
Genomic context (GRCh38, chr20:62,836,284, plus strand): 5'-AGGGTCCCAACGGCACCAGCGGTGTTCAGGGTGTCCCCGGGCCCCCCGGTCCTCTGGGCC[T>A]GCAGGGCGTCCCGGGTGTTCCTGGCATCACGGGGAAGCCGGGAGTTCCGGTACGTCGCTT-3'
Protein context (NP_001844.3, residues 490-510): GVPGPPGPLG[Leu500Gln]QGVPGVPGIT

ClinVar aggregate classification (germline): Uncertain significance (1 of 4 stars; one submission).

gnomAD v4.1: 3 of 1,613,894 alleles (0.00019%); highest among the groups gnomAD compares: Non-Finnish European, 0.00025%; no homozygotes.

Submission:

Labcorp Genetics (formerly Invitae), Labcorp
Classification: Uncertain significance. Last evaluated: 2021-04-02. Review status: criteria provided, single submitter. Criteria: Invitae Variant Classification Sherloc (09022015). Collection method: clinical testing. Allele origin: germline.
Comment: In summary, the available evidence is currently insufficient to determine the role of this variant in disease. Therefore, it has been classified as a Variant of Uncertain Significance. Algorithms developed to predict the effect of sequence changes on RNA splicing suggest that this variant may create or strengthen a splice site, but this prediction has not been confirmed by published transcriptional studies. Advanced modeling of protein sequence and biophysical properties (such as structural, functional, and spatial information, amino acid conservation, physicochemical variation, residue mobility, and thermodynamic stability) performed at Invitae indicates that this missense variant is not expected to disrupt COL9A3 protein function. This variant has not been reported in the literature in individuals with COL9A3-related conditions. This variant is not present in population databases (ExAC no frequency). This sequence change replaces leucine with glutamine at codon 500 of the COL9A3 protein (p.Leu500Gln). The leucine residue is weakly conserved and there is a moderate physicochemical difference between leucine and glutamine.